The following is an entry in ClinVar:

NM_001375567.1(FOCAD):c.1330A>T (p.Ile444Phe)

Gene: FOCAD (focadhesin; plus strand). Cytogenetic location: 9p21.3.
Variant type: single nucleotide variant.
Coding change: c.1330A>T on transcript NM_001375567.1 (MANE Select); coding-DNA position 1330, A replaced by T.
Protein change: p.Ile444Phe; replaces isoleucine 444 with phenylalanine.
Molecular consequence: missense variant.
Genome position (GRCh38, 1-based): chr9:20,789,483, A>T. VCF-style: chr9-20789483-A-T. GRCh37 (hg19) VCF-style: chr9-20789482-A-T.
Other names: c.1330A>T, p.Ile444Phe (NM_001375568.1, NM_017794.5); c.1225A>T, p.Ile409Phe (NM_001375570.1); c.1330A>T (NM_017794.3); short protein forms I444F, I409F.
Identifiers: ClinVar variation 3713940 (VCV003713940.3).

ClinVar aggregate classification (germline): Uncertain significance. Review status: criteria provided, multiple submitters, no conflicts (2 of 4 stars). 2 submissions from 2 submitters: Uncertain significance (2). Last evaluated 2025-11-20.

Conditions:
Inborn genetic diseases. Identifiers: MedGen C0950123, MeSH D030342.

gnomAD v4.1: 95 of 1,613,780 alleles (0.0059%); highest among the groups gnomAD compares: Non-Finnish European, 0.0067%; no homozygotes.

Submissions (2):

Ambry Genetics
Classification: Uncertain significance for Inborn genetic diseases. Last evaluated: 2025-11-20. Review status: criteria provided, single submitter. Criteria: Ambry Variant Classification Scheme 2023. Collection method: clinical testing. Allele origin: germline.

Labcorp Genetics (formerly Invitae), Labcorp
Classification: Uncertain significance. Last evaluated: 2024-03-26. Review status: criteria provided, single submitter. Criteria: Invitae Variant Classification Sherloc (09022015). Collection method: clinical testing. Allele origin: germline.
Comment: This sequence change replaces isoleucine, which is neutral and non-polar, with phenylalanine, which is neutral and non-polar, at codon 444 of the FOCAD protein (p.Ile444Phe). This variant is present in population databases (rs776996920, gnomAD 0.01%). This variant has not been reported in the literature in individuals affected with FOCAD-related conditions. Experimental studies and prediction algorithms are not available or were not evaluated, and the functional significance of this variant is currently unknown. In summary, the available evidence is currently insufficient to determine the role of this variant in disease. Therefore, it has been classified as a Variant of Uncertain Significance.